The following is an entry in ClinVar:

ClinVar aggregate classification (germline): Likely benign (1 of 4 stars; one submission).

Allele frequency attached by ClinVar (database versions not stated): ESP Exome Variant Server 0.00008; ExAC 0.00014; gnomAD 0.00014; TOPMed 0.00015.
gnomAD v4.1: 299 of 1,613,282 alleles (0.019%); highest among the groups gnomAD compares: Non-Finnish European, 0.013%; no homozygotes.

Submission:

CeGaT Center for Human Genetics Tuebingen
Classification: Likely benign. Last evaluated: 2023-12-01. Review status: criteria provided, single submitter. Criteria: CeGaT Center For Human Genetics Tuebingen Variant Classification Criteria Version 2. Collection method: clinical testing. Allele origin: germline. Affected: yes. Observed: 2 variant alleles.
Comment: AHNAK2: BP4, BS1

NM_138420.4(AHNAK2):c.12311A>G (p.Gln4104Arg)

Gene: AHNAK2 (AHNAK nucleoprotein 2; minus strand). Cytogenetic location: 14q32.33.
Variant type: single nucleotide variant.
Coding change: c.12311A>G on transcript NM_138420.4 (MANE Select); coding-DNA position 12311, A replaced by G.
Protein change: p.Gln4104Arg; replaces glutamine 4104 with arginine.
Molecular consequence: missense variant.
Genome position (GRCh38, 1-based): chr14:104,943,140, T>C on the plus strand (A>G on the coding strand, the complement: AHNAK2 is on the minus strand). VCF-style: chr14-104943140-T-C. GRCh37 (hg19) VCF-style: chr14-105409477-T-C.
Other names: c.12011A>G, p.Gln4004Arg (NM_001350929.2); short protein forms Q4004R, Q4104R.
Identifiers: ClinVar variation 2644646 (VCV002644646.24), dbSNP rs202082318, ClinGen allele CA7378399.